The following is an entry in ClinVar:

ClinVar aggregate classification (germline): Likely benign. Review status: criteria provided, multiple submitters, no conflicts (2 of 4 stars). 2 submissions from 2 submitters: Likely benign (2). Last evaluated 2023-01-01.

Allele frequency attached by ClinVar (database versions not stated): ExAC 0.00058; 1000 Genomes Project 30x 0.00062; ESP Exome Variant Server 0.00062; gnomAD exomes 0.00067; 1000 Genomes Project 0.00080; gnomAD 0.00089 and 0.00091; TOPMed 0.00107.
gnomAD v4.1: 823 of 1,612,860 alleles (0.051%); highest among the groups gnomAD compares: Middle Eastern, 0.49%; 2 homozygotes.

Submissions (2):

CeGaT Center for Human Genetics Tuebingen
Classification: Likely benign. Last evaluated: 2023-01-01. Review status: criteria provided, single submitter. Criteria: CeGaT Center For Human Genetics Tuebingen Variant Classification Criteria Version 2. Collection method: clinical testing. Allele origin: germline. Affected: yes. Observed: 1 variant allele.
Comment: ARHGEF2: BP4, BP7

Labcorp Genetics (formerly Invitae), Labcorp
Classification: Likely benign. Last evaluated: 2019-12-31. Review status: criteria provided, single submitter. Criteria: Invitae Variant Classification Sherloc (09022015). Collection method: clinical testing. Allele origin: germline.

NM_001162383.2(ARHGEF2):c.759A>G (p.Thr253=)

Gene: ARHGEF2 (Rho/Rac guanine nucleotide exchange factor 2; minus strand). Cytogenetic location: 1q22.
Variant type: single nucleotide variant.
Coding change: c.759A>G on transcript NM_001162383.2 (MANE Select); coding-DNA position 759, A replaced by G.
Protein change: p.Thr253=; no amino-acid change (threonine 253 retained).
Molecular consequence: synonymous variant.
Genome position (GRCh38, 1-based): chr1:155,963,149, T>C on the plus strand (A>G on the coding strand, the complement: ARHGEF2 is on the minus strand). VCF-style: chr1-155963149-T-C. GRCh37 (hg19) VCF-style: chr1-155932940-T-C.
Other names: c.756A>G, p.Thr252= (NM_001162384.2); c.678A>G, p.Thr226= (NM_001350110.2, NM_001350111.2); c.705A>G, p.Thr235= (NM_001350112.2); c.675A>G, p.Thr225= (NM_004723.4).
Identifiers: ClinVar variation 773818 (VCV000773818.28), dbSNP rs151002254, ClinGen allele CA1153432.
Genomic context (GRCh38, chr1:155,963,149, plus strand): 5'-TGGCTCCAAGTGTAGCTCTTCCAGCATCCCCGTGCGGAAGAGGCGGGTCATGATCTTCAG[T>C]GTCCTCACATGGTGCAGCTCTGTCTGGATTAGCTCTGTGGGGGACATTGGGACATTTGGC-3'
Protein context (NP_001155855.1, residues 243-263): LIQTELHHVR[Thr253=]LKIMTRLFRT